The following is an entry in ClinVar:

ClinVar aggregate classification (germline): Uncertain significance. Review status: criteria provided, multiple submitters, no conflicts (2 of 4 stars). 2 submissions from 2 submitters: Uncertain significance (2). Last evaluated 2025-09-01.

Allele frequency attached by ClinVar (database versions not stated): ExAC 0.00002; TOPMed 0.00005.
gnomAD v4.1: 62 of 1,614,032 alleles (0.0038%); highest among the groups gnomAD compares: Admixed American, 0.015%; no homozygotes.

Submissions (2):

Ambry Genetics
Classification: Uncertain significance. Last evaluated: 2025-09-01. Review status: criteria provided, single submitter. Criteria: Ambry Variant Classification Scheme 2023. Collection method: clinical testing. Allele origin: germline.

Labcorp Genetics (formerly Invitae), Labcorp
Classification: Uncertain significance. Last evaluated: 2023-03-31. Review status: criteria provided, single submitter. Criteria: Invitae Variant Classification Sherloc (09022015). Collection method: clinical testing. Allele origin: germline.
Comment: In summary, the available evidence is currently insufficient to determine the role of this variant in disease. Therefore, it has been classified as a Variant of Uncertain Significance. An algorithm developed to predict the effect of missense changes on protein structure and function (PolyPhen-2) suggests that this variant is likely to be tolerated. This variant has not been reported in the literature in individuals affected with SLC13A3-related conditions. This variant is present in population databases (rs746122721, gnomAD 0.02%). This sequence change replaces valine, which is neutral and non-polar, with phenylalanine, which is neutral and non-polar, at codon 212 of the SLC13A3 protein (p.Val212Phe).

NM_022829.6(SLC13A3):c.634G>T (p.Val212Phe)

Gene: SLC13A3 (solute carrier family 13 member 3; minus strand). Cytogenetic location: 20q13.12.
Variant type: single nucleotide variant.
Coding change: c.634G>T on transcript NM_022829.6 (MANE Select); coding-DNA position 634, G replaced by T.
Protein change: p.Val212Phe; replaces valine 212 with phenylalanine.
Molecular consequence: missense variant.
Genome position (GRCh38, 1-based): chr20:46,596,317, C>A on the plus strand (G>T on the coding strand, the complement: SLC13A3 is on the minus strand). VCF-style: chr20-46596317-C-A. GRCh37 (hg19) VCF-style: chr20-45224956-C-A.
Other names: c.634G>T (NM_022829.5); c.493G>T, p.Val165Phe (NM_001011554.3, NM_001193340.2); c.567G>T, p.Arg189Ser (NM_001193339.2); c.340G>T, p.Val114Phe (NM_001193342.2); short protein forms R189S, V114F, V165F, V212F.
Identifiers: ClinVar variation 2970161 (VCV002970161.5), dbSNP rs746122721, ClinGen allele CA9891554.